The following is an entry in ClinVar:

NM_001164508.2(NEB):c.22708A>T (p.Lys7570Ter)

Genes: NEB (nebulin; minus strand), RIF1 (replication timing regulatory factor 1; plus strand). Cytogenetic location: 2q23.3.
Variant type: single nucleotide variant.
Coding change: c.22708A>T on transcript NM_001164508.2 (MANE Select); coding-DNA position 22708, A replaced by T.
Protein change: p.Lys7570Ter; replaces lysine 7570 with a stop codon.
Molecular consequence: nonsense.
Genome position (GRCh38, 1-based): chr2:151,518,410, T>A on the plus strand (A>T on the coding strand, the complement: NEB is on the minus strand). VCF-style: chr2-151518410-T-A. GRCh37 (hg19) VCF-style: chr2-152374924-T-A.
Other names: c.22708A>T, p.Lys7570Ter (NM_001164507.2); c.22813A>T, p.Lys7605Ter (NM_001271208.2); c.17605A>T, p.Lys5869Ter (NM_004543.5); short protein forms K7570*, K5869*, K7605*.
Identifiers: ClinVar variation 2021154 (VCV002021154.4), dbSNP rs1369239753, ClinGen allele CA348759885.

ClinVar aggregate classification (germline): Pathogenic (1 of 4 stars; one submission).

Conditions:
Nemaline myopathy 2 (NEM2). Also called: Nemaline myopathy 2, autosomal recessive. Identifiers: MedGen C1850569, MONDO:0009725, OMIM 256030.

Submission:

Labcorp Genetics (formerly Invitae), Labcorp
Classification: Pathogenic for Nemaline myopathy 2. Last evaluated: 2022-11-28. Review status: criteria provided, single submitter. Criteria: Invitae Variant Classification Sherloc (09022015). Collection method: clinical testing. Allele origin: germline.
Comment: For these reasons, this variant has been classified as Pathogenic. This variant has not been reported in the literature in individuals affected with NEB-related conditions. This variant is not present in population databases (gnomAD no frequency). This sequence change creates a premature translational stop signal (p.Lys7605*) in the NEB gene. It is expected to result in an absent or disrupted protein product. Loss-of-function variants in NEB are known to be pathogenic (PMID: 25205138).

Literature cited by the submitters: PubMed 25205138.